The following is an entry in ClinVar:

NM_014159.7(SETD2):c.2570G>C (p.Gly857Ala)

Gene: SETD2 (SET domain containing 2, histone lysine methyltransferase; minus strand). Cytogenetic location: 3p21.31.
Variant type: single nucleotide variant.
Coding change: c.2570G>C on transcript NM_014159.7 (MANE Select); coding-DNA position 2570, G replaced by C.
Protein change: p.Gly857Ala; replaces glycine 857 with alanine.
Molecular consequence: missense variant. On other transcripts: non-coding transcript variant (1).
Genome position (GRCh38, 1-based): chr3:47,122,066, C>G on the plus strand (G>C on the coding strand, the complement: SETD2 is on the minus strand). VCF-style: chr3-47122066-C-G. GRCh37 (hg19) VCF-style: chr3-47163556-C-G.
Other names: c.2438G>C, p.Gly813Ala (NM_001349370.3); short protein forms G813A, G857A.
Identifiers: ClinVar variation 1444817 (VCV001444817.6), dbSNP rs1341456599, ClinGen allele CA352525981.

ClinVar aggregate classification (germline): Uncertain significance (1 of 4 stars; one submission).

Conditions:
Luscan-Lumish syndrome. Identifiers: Orphanet 597738, MedGen C4085873, MONDO:0014791, OMIM 616831.

Allele frequency attached by ClinVar (database versions not stated): gnomAD exomes below 0.00001; TOPMed below 0.00001; gnomAD 0.00001.
gnomAD v4.1: 3 of 1,613,724 alleles (0.00019%); highest among the groups gnomAD compares: Non-Finnish European, 0.00025%; no homozygotes.

Submission:

Labcorp Genetics (formerly Invitae), Labcorp
Classification: Uncertain significance for Luscan-Lumish syndrome. Last evaluated: 2021-09-17. Review status: criteria provided, single submitter. Criteria: Invitae Variant Classification Sherloc (09022015). Collection method: clinical testing. Allele origin: germline.
Comment: In summary, the available evidence is currently insufficient to determine the role of this variant in disease. Therefore, it has been classified as a Variant of Uncertain Significance. Algorithms developed to predict the effect of missense changes on protein structure and function (SIFT, PolyPhen-2, Align-GVGD) all suggest that this variant is likely to be tolerated. This variant has not been reported in the literature in individuals affected with SETD2-related conditions. This variant is not present in population databases (ExAC no frequency). This sequence change replaces glycine with alanine at codon 857 of the SETD2 protein (p.Gly857Ala). The glycine residue is moderately conserved and there is a small physicochemical difference between glycine and alanine.